The following is an entry in ClinVar:

ClinVar aggregate classification (germline): Uncertain significance (1 of 4 stars; one submission).

Submission:

GeneDx
Classification: Uncertain significance. Last evaluated: 2022-07-19. Review status: criteria provided, single submitter. Criteria: GeneDx Variant Classification Process June 2021. Collection method: clinical testing. Allele origin: germline. Affected: yes.
Comment: Not observed at significant frequency in large population cohorts (gnomAD); In silico analysis supports that this variant does not alter splicing; Has not been previously published as pathogenic or benign to our knowledge

NM_153676.4(USH1C):c.1260+3A>G

Gene: USH1C (USH1 protein network component harmonin; minus strand). Cytogenetic location: 11p15.1.
Variant type: single nucleotide variant.
Coding change: c.1260+3A>G on transcript NM_153676.4 (MANE Select); 3 bases into the intron after coding-DNA position 1260, A replaced by G.
Molecular consequence: intron variant.
Genome position (GRCh38, 1-based): chr11:17,516,238, T>C on the plus strand (A>G on the coding strand, the complement: USH1C is on the minus strand). VCF-style: chr11-17516238-T-C. GRCh37 (hg19) VCF-style: chr11-17537785-T-C.
Other names: c.1227+1163A>G (NM_001297764.2); c.1284+1163A>G (NM_005709.4).
Identifiers: ClinVar variation 2136101 (VCV002136101.1), dbSNP rs2497101160, ClinGen allele CA2580082738.